The following is an entry in ClinVar:

NM_001081.4(CUBN):c.6916T>C (p.Trp2306Arg)

Gene: CUBN (cubilin; minus strand). Cytogenetic location: 10p13.
Variant type: single nucleotide variant.
Coding change: c.6916T>C on transcript NM_001081.4 (MANE Select); coding-DNA position 6916, T replaced by C.
Protein change: p.Trp2306Arg; replaces tryptophan 2306 with arginine.
Molecular consequence: missense variant.
Genome position (GRCh38, 1-based): chr10:16,918,706, A>G on the plus strand (T>C on the coding strand, the complement: CUBN is on the minus strand). VCF-style: chr10-16918706-A-G. GRCh37 (hg19) VCF-style: chr10-16960705-A-G.
Other names: p.Trp2306Arg; short protein forms W2306R.
Identifiers: ClinVar variation 2683097 (VCV002683097.1), dbSNP rs1322005237, ClinGen allele CA376148121.

ClinVar aggregate classification (germline): Uncertain significance (1 of 4 stars; one submission).

Allele frequency attached by ClinVar (database versions not stated): gnomAD exomes 0.00002; TOPMed 0.00002.
gnomAD v4.1: 31 of 1,613,956 alleles (0.0019%); highest among the groups gnomAD compares: Non-Finnish European, 0.0024%; no homozygotes.

Submission:

Mayo Clinic Laboratories, Mayo Clinic
Classification: Uncertain significance. Last evaluated: 2022-03-04. Review status: criteria provided, single submitter. Criteria: ACMG Guidelines, 2015. Collection method: clinical testing. Allele origin: germline. Observed: 1 variant allele.
Comment: BP4, PM2